The following is an entry in ClinVar:

ClinVar aggregate classification (germline): Pathogenic (1 of 4 stars; one submission).

Conditions:
Glycogen storage disease IXb (GSD9B). Also called: GLYCOGENOSIS OF LIVER AND MUSCLE, AUTOSOMAL RECESSIVE; GSD IXb; PHOSPHORYLASE KINASE DEFICIENCY OF LIVER AND MUSCLE, AUTOSOMAL RECESSIVE. Identifiers: Orphanet 79240, MedGen C0543514, MONDO:0009868, OMIM 261750.

Submission:

Labcorp Genetics (formerly Invitae), Labcorp
Classification: Pathogenic for Glycogen storage disease IXb. Last evaluated: 2023-10-29. Review status: criteria provided, single submitter. Criteria: Invitae Variant Classification Sherloc (09022015). Collection method: clinical testing. Allele origin: unknown.
Comment: This variant is a gross deletion of the genomic region encompassing exon(s) 8 of the PHKB gene. This deletion is out-of-frame, and is expected to create a premature termination codon and result in an absent or disrupted protein product. Loss-of-function variants in PHKB are known to be pathogenic (PMID: 9215682, 9326319). A similar copy number variant has been observed in individual(s) with glycogen storage disease (PMID: 9215682). For these reasons, this variant has been classified as Pathogenic.

Literature cited by the submitters: PubMed 9215682; PubMed 9326319.

NC_000016.9:g.(?_47614186)_(47614289_?)del

Gene: PHKB (phosphorylase kinase regulatory subunit beta; plus strand). Cytogenetic location: 16q12.1.
Variant type: Deletion.
Identifiers: ClinVar variation 3243377 (VCV003243377.1).